The following is an entry in ClinVar:

NM_000059.4(BRCA2):c.4161_4165del (p.Leu1387fs)

Gene: BRCA2 (BRCA2 DNA repair associated; plus strand). Cytogenetic location: 13q13.1.
Variant type: Deletion.
Coding change: c.4161_4165del on transcript NM_000059.4 (MANE Select); coding-DNA positions 4161 to 4165, 5 bases deleted (AACTT; older notation c.4161_4165delAACTT).
Protein change: p.Leu1387fs; shifts the reading frame from leucine 1387.
Molecular consequence: frameshift variant.
Genome position (GRCh38, 1-based): chr13:32,338,516-32,338,520, AACTT deleted; deleting any 5 consecutive bases within chr13:32,338,514-32,338,520 gives the same sequence; the c. name uses the placement nearest the transcript's 3' end. VCF-style (leftmost placement, unchanged base first): chr13-32338513-TTTAAC-T. GRCh37 (hg19) VCF-style: chr13-32912650-TTTAAC-T.
Other names: short protein forms L1387fs.
Identifiers: ClinVar variation 4071392 (VCV004071392.1).

ClinVar aggregate classification (germline): Pathogenic (1 of 4 stars; one submission).

Conditions:
Breast-ovarian cancer, familial, susceptibility to, 2 (BROVCA2). Also called: BRCA2 Hereditary Breast and Ovarian Cancer. Identifiers: Orphanet 145, MedGen C2675520, MONDO:0012933, OMIM 612555. Disease mechanism: loss of function.

Submission:

Myriad Genetics, Inc.
Classification: Pathogenic for Breast-ovarian cancer, familial, susceptibility to, 2. Last evaluated: 2025-05-08. Review status: criteria provided, single submitter. Criteria: Myriad Autosomal Dominant, Autosomal Recessive and X-Linked Classification Criteria (2023). Collection method: clinical testing. Allele origin: unknown.
Comment: This variant is considered pathogenic. This variant creates a frameshift predicted to result in premature protein truncation.